The following is an entry in ClinVar:

ClinVar aggregate classification (germline): Pathogenic (1 of 4 stars; one submission).

Conditions:
Glycogen storage disease, type VII (GSD7). Also called: GSD VII; MUSCLE PHOSPHOFRUCTOKINASE DEFICIENCY; PFKM DEFICIENCY; TARUI DISEASE. Identifiers: Orphanet 371, MedGen C0017926, MONDO:0009295, OMIM 232800.

Submission:

Labcorp Genetics (formerly Invitae), Labcorp
Classification: Pathogenic for Glycogen storage disease, type VII. Last evaluated: 2022-12-19. Review status: criteria provided, single submitter. Criteria: Invitae Variant Classification Sherloc (09022015). Collection method: clinical testing. Allele origin: germline.
Comment: For these reasons, this variant has been classified as Pathogenic. This sequence change creates a premature translational stop signal (p.Glu449Lysfs*38) in the PFKM gene. It is expected to result in an absent or disrupted protein product. Loss-of-function variants in PFKM are known to be pathogenic (PMID: 7825568, 8037209). This variant has not been reported in the literature in individuals affected with PFKM-related conditions. This variant is not present in population databases (gnomAD no frequency).

Literature cited by the submitters: PubMed 7825568; PubMed 8037209.

NM_000289.6(PFKM):c.1344_1345insAA (p.Glu449fs)

Gene: PFKM (phosphofructokinase, muscle; plus strand). Cytogenetic location: 12q13.11.
Variant type: Insertion.
Coding change: c.1344_1345insAA on transcript NM_000289.6 (MANE Select); coding-DNA positions 1344 to 1345, AA inserted.
Protein change: p.Glu449fs; shifts the reading frame from glutamic acid 449.
Molecular consequence: frameshift variant. On other transcripts: non-coding transcript variant (6).
Genome position: GRCh38 VCF-style: chr12-48141312-T-TAA. GRCh37 (hg19) VCF-style: chr12-48535095-T-TAA.
Other names: c.1557_1558insAA, p.Glu520fs (NM_001166686.2, NM_001354737.1, NM_001354738.1 and 1 more transcripts); c.1344_1345insAA, p.Glu449fs (NM_001166687.2, NM_001166688.2, NM_001354742.2 and 2 more transcripts); c.1653_1654insAA, p.Glu552fs (NM_001354735.1, NM_001354736.1); c.1488_1489insAA, p.Glu497fs (NM_001354740.1); c.1368_1369insAA, p.Glu457fs (NM_001354741.2); c.1257_1258insAA, p.Glu420fs (NM_001354745.2); c.1218_1219insAA, p.Glu407fs (NM_001354746.2); c.1194_1195insAA, p.Glu399fs (NM_001354747.2, NM_001354748.2); and 1 more; short protein forms E449fs, E497fs, E399fs, E407fs, E520fs, E418fs, E457fs, E420fs.
Identifiers: ClinVar variation 2820211 (VCV002820211.3), dbSNP rs2498556266, ClinGen allele CA2739272003.